The following is an entry in ClinVar:

NM_016151.4(TAOK2):c.1075A>G (p.Ile359Val)

Gene: TAOK2 (TAO kinase 2; plus strand). Cytogenetic location: 16p11.2.
Variant type: single nucleotide variant.
Coding change: c.1075A>G on transcript NM_016151.4 (MANE Select); coding-DNA position 1075, A replaced by G.
Protein change: p.Ile359Val; replaces isoleucine 359 with valine.
Molecular consequence: missense variant.
Genome position (GRCh38, 1-based): chr16:29,983,147, A>G. VCF-style: chr16-29983147-A-G. GRCh37 (hg19) VCF-style: chr16-29994468-A-G.
Other names: c.1075A>G (NM_016151.2); c.1075A>G, p.Ile359Val (NM_001252043.2, NM_004783.4); short protein forms I359V.
Identifiers: ClinVar variation 1495934 (VCV001495934.9), dbSNP rs1018529386, ClinGen allele CA280394632.

ClinVar aggregate classification (germline): Uncertain significance. Review status: criteria provided, multiple submitters, no conflicts (2 of 4 stars). 2 submissions from 2 submitters: Uncertain significance (2). Last evaluated 2025-10-14.

Allele frequency attached by ClinVar (database versions not stated): gnomAD exomes below 0.00001; TOPMed 0.00001.
gnomAD v4.1: 3 of 1,614,110 alleles (0.00019%); highest among the groups gnomAD compares: Non-Finnish European, 0.000085%; no homozygotes.

Submissions (2):

Ambry Genetics
Classification: Uncertain significance. Last evaluated: 2025-10-14. Review status: criteria provided, single submitter. Criteria: Ambry Variant Classification Scheme 2023. Collection method: clinical testing. Allele origin: germline.

Labcorp Genetics (formerly Invitae), Labcorp
Classification: Uncertain significance. Last evaluated: 2025-03-28. Review status: criteria provided, single submitter. Criteria: Invitae Variant Classification Sherloc (09022015). Collection method: clinical testing. Allele origin: germline.
Comment: This sequence change replaces isoleucine, which is neutral and non-polar, with valine, which is neutral and non-polar, at codon 359 of the TAOK2 protein (p.Ile359Val). This variant is present in population databases (no rsID available, gnomAD 0.004%). This variant has not been reported in the literature in individuals affected with TAOK2-related conditions. ClinVar contains an entry for this variant (Variation ID: 1495934). An algorithm developed to predict the effect of missense changes on protein structure and function (PolyPhen-2) suggests that this variant is likely to be disruptive. In summary, the available evidence is currently insufficient to determine the role of this variant in disease. Therefore, it has been classified as a Variant of Uncertain Significance.